The following is an entry in ClinVar:

ClinVar aggregate classification (germline): Likely pathogenic. Review status: reviewed by expert panel (3 of 4 stars). 5 submissions from 5 submitters: Likely pathogenic (1). 4 of the submissions do not count toward it. Last evaluated 2023-11-14.

Conditions:
Severe combined immunodeficiency disease. Also called: Severe Combined Immune Deficiency; Severe combined immunodeficiency. Identifiers: Orphanet 183660, MedGen C0085110, MeSH D016511, MONDO:0015974, HP:0004430. Inheritance: X-Linked or Autosomal recessive.
T-B+ severe combined immunodeficiency due to JAK3 deficiency. Also called: SCID, autosomal recessive, T-negative/B-positive type; SCID, T CELL-NEGATIVE, B CELL-POSITIVE, NK CELL-NEGATIVE. Identifiers: Orphanet 35078, MedGen C1833275, MONDO:0010938, OMIM 600802.

Allele frequency attached by ClinVar (database versions not stated): gnomAD 0.00001; gnomAD exomes below 0.00001; TOPMed below 0.00001.
gnomAD v4.1: 7 of 1,571,746 alleles (0.00045%); highest among the groups gnomAD compares: Middle Eastern, 0.061%; no homozygotes.

Submissions (5):

ClinGen Severe Combined Immunodeficiency Variant Curation Expert Panel, ClinGen
Classification: Likely pathogenic for T-B+ severe combined immunodeficiency due to JAK3 deficiency. Last evaluated: 2023-11-14. Review status: reviewed by expert panel. Criteria: ClinGen SCID ACMG Specifications JAK3 V1.0.0. Collection method: curation. Allele origin: germline. Inheritance: Autosomal recessive inheritance.
Comment: The NM_000215.4(JAK3):c.1744C>T variant is predicted to cause the Arg582Trp missense substitution, however it has been observed in patient cDNA to cause an in-frame deletion of 213bp (71 amino acids; p.Ser568_Leu638del) due to skipping of exon 13 and 14 (PMID: 9753072). The deleted region contains the NM_000215.4(JAK3):c.1796T>G (p.Val599Gly) variant which has been classified by the SCID VCEP as VUS (PM4_supporting). This variant was identified in at least one T-B+ SCID patient in whom, IL-2-induced JAK3 phosphorylation showed that the JAK3 protein was only marginally activated, and IL-2-induced phosphorylation of STAT5B/A was not detected in BCLs from the patient. This combination is highly specific for T-B+ severe combined immunodeficiency due to JAK3 deficiency (PMID: 9753072; PP4_moderate). This patient (PMID: 9753072) was homozygous for the variant and two additional patients are compound heterozygous with second variants confirmed in trans (but not yet classified by the SCID-VCEP so considered VUS), Leu1017Pro (PMID: 33777394) and c.115dup (PMID: 21184155) for three patients in total with this variant (PM3). The highest population allele frequency in gnomAD v2.1.1 is 0.00001239 (1/80718 alleles in the European non-Finnish population), which is lower than the ClinGen SCID VCEP threshold of <0.000115 (PM2_supporting). In summary, this variant meets the criteria to be classified as Likely Pathogenic for autosomal recessive T-B+ SCID based on the ACMG/AMP criteria applied, as specified by the ClinGen SCID VCEP. Criteria applied: PM2_supporting, PM3, PM4_supporting, PP4_moderate. (VCEP specifications version 1).

Labcorp Genetics (formerly Invitae), Labcorp
Classification: Pathogenic for T-B+ severe combined immunodeficiency due to JAK3 deficiency. Last evaluated: 2025-03-27. Review status: criteria provided, single submitter. Criteria: Invitae Variant Classification Sherloc (09022015). Collection method: clinical testing. Allele origin: germline. Not counted in ClinVar's aggregate classification.
Comment: This sequence change replaces arginine, which is basic and polar, with tryptophan, which is neutral and slightly polar, at codon 582 of the JAK3 protein (p.Arg582Trp). The frequency data for this variant in the population databases is considered unreliable, as metrics indicate poor data quality at this position in the gnomAD database. This missense change has been observed in individual(s) with severe combined immunodeficiency (PMID: 9753072, 21184155, 30697212, 33365035). In at least one individual the data is consistent with being in trans (on the opposite chromosome) from a pathogenic variant. This variant is also known as substitution of Arg to Trp at codon 577. ClinVar contains an entry for this variant (Variation ID: 36415). Invitae Evidence Modeling of protein sequence and biophysical properties (such as structural, functional, and spatial information, amino acid conservation, physicochemical variation, residue mobility, and thermodynamic stability) has been performed for this missense variant. However, the output from this modeling did not meet the statistical confidence thresholds required to predict the impact of this variant on JAK3 protein function. Algorithms developed to predict the effect of sequence changes on RNA splicing suggest that this variant may disrupt the consensus splice site. For these reasons, this variant has been classified as Pathogenic.

Fulgent Genetics
Classification: Likely pathogenic for T-B+ severe combined immunodeficiency due to JAK3 deficiency. Last evaluated: 2024-06-13. Review status: criteria provided, single submitter. Criteria: ACMG Guidelines, 2015. Collection method: clinical testing. Allele origin: germline. Not counted in ClinVar's aggregate classification.

Women's Health and Genetics/Laboratory Corporation of America, LabCorp
Classification: Likely pathogenic for SCID. Last evaluated: 2011-08-18. Review status: criteria provided, single submitter. Criteria: LabCorp Variant Classification Summary - May 2015. Collection method: curation, clinical testing. Allele origin: germline. Inheritance: autosomal recessive. Affected: yes. Observed: 3 variant alleles. Not counted in ClinVar's aggregate classification.
ClinVar note: Converted during submission from likely pathogenic to Likely pathogenic.

Juno Genomics, Hangzhou Juno Genomics, Inc
Classification: Likely pathogenic for T-B+ severe combined immunodeficiency due to JAK3 deficiency. Review status: criteria provided, single submitter. Criteria: ACMG Guidelines, 2015. Collection method: clinical testing. Allele origin: germline. Not counted in ClinVar's aggregate classification.
Comment: Absent from controls (or at extremely low frequency if recessive) in Genome Aggregation Database.;For recessive disorders, detected in trans with a pathogenic variant.;Patient's phenotype or family history is highly specific for a disease with a single genetic etiology.

Literature cited by the submitters: PubMed 9753072 (cited by Labcorp Genetics (formerly Invitae), Labcorp and Women's Health and Genetics/Laboratory Corporation of America, LabCorp); PubMed 21184155 (cited by Labcorp Genetics (formerly Invitae), Labcorp and Women's Health and Genetics/Laboratory Corporation of America, LabCorp); PubMed 30697212 (cited by Labcorp Genetics (formerly Invitae), Labcorp); PubMed 33365035 (cited by Labcorp Genetics (formerly Invitae), Labcorp); PubMed 10982185 (cited by Women's Health and Genetics/Laboratory Corporation of America, LabCorp); PubMed 11668610 (cited by Women's Health and Genetics/Laboratory Corporation of America, LabCorp); PubMed 11213805 (cited by Women's Health and Genetics/Laboratory Corporation of America, LabCorp); PubMed 10900158 (cited by Women's Health and Genetics/Laboratory Corporation of America, LabCorp); PubMed 17433830 (cited by Women's Health and Genetics/Laboratory Corporation of America, LabCorp).

NM_000215.4(JAK3):c.1744C>T (p.Arg582Trp)

Gene: JAK3 (Janus kinase 3; minus strand). Cytogenetic location: 19p13.11.
Variant type: single nucleotide variant.
Coding change: c.1744C>T on transcript NM_000215.4 (MANE Select); coding-DNA position 1744, C replaced by T.
Protein change: p.Arg582Trp; replaces arginine 582 with tryptophan.
Molecular consequence: missense variant.
Genome position (GRCh38, 1-based): chr19:17,837,171, G>A on the plus strand (C>T on the coding strand, the complement: JAK3 is on the minus strand). VCF-style: chr19-17837171-G-A. GRCh37 (hg19) VCF-style: chr19-17947980-G-A.
Other names: NM_000215.4(JAK3):c.1744C>T; short protein forms R582W.
Identifiers: ClinVar variation 36415 (VCV000036415.12), dbSNP rs193922361, ClinGen allele CA214079.